The following is an entry in ClinVar:

ClinVar aggregate classification (germline): Conflicting classifications of pathogenicity. Review status: criteria provided, conflicting classifications (1 of 4 stars). 3 submissions from 3 submitters: Uncertain significance (2); Benign (1). Last evaluated 2026-04-27.

Conditions:
Inborn genetic diseases. Identifiers: MedGen C0950123, MeSH D030342.
RAI1-related disorder. Also called: RAI1-related condition.

Allele frequency attached by ClinVar (database versions not stated): ExAC 0.00001; gnomAD exomes 0.00001; TOPMed 0.00002.
gnomAD v4.1: 10 of 1,606,550 alleles (0.00062%); highest among the groups gnomAD compares: African/African-American, 0.0013%; no homozygotes.

Submissions (3):

PreventionGenetics, part of Exact Sciences
Classification: Uncertain significance for RAI1-related condition. Last evaluated: 2026-04-27. Review status: criteria provided, single submitter. Criteria: ACMG Guidelines, 2015. Collection method: clinical testing. Allele origin: germline.
Comment: The RAI1 c.2363C>T variant is predicted to result in the amino acid substitution p.Ser788Leu. To our knowledge, this variant has not been reported in the literature. This variant is reported in 0.00089% of alleles in individuals of European (Non-Finnish) descent in gnomAD. At this time, the clinical significance of this variant is uncertain due to the absence of conclusive functional and genetic evidence.

Labcorp Genetics (formerly Invitae), Labcorp
Classification: Benign. Last evaluated: 2025-11-17. Review status: criteria provided, single submitter. Criteria: Invitae Variant Classification Sherloc (09022015). Collection method: clinical testing. Allele origin: germline.

Ambry Genetics
Classification: Uncertain significance for Inborn genetic diseases. Last evaluated: 2023-10-06. Review status: criteria provided, single submitter. Criteria: Ambry Variant Classification Scheme 2023. Collection method: clinical testing. Allele origin: germline.

NM_030665.4(RAI1):c.2363C>T (p.Ser788Leu)

Gene: RAI1 (retinoic acid induced 1; plus strand). Cytogenetic location: 17p11.2.
Variant type: single nucleotide variant.
Coding change: c.2363C>T on transcript NM_030665.4 (MANE Select); coding-DNA position 2363, C replaced by T.
Protein change: p.Ser788Leu; replaces serine 788 with leucine.
Molecular consequence: missense variant.
Genome position (GRCh38, 1-based): chr17:17,795,311, C>T. VCF-style: chr17-17795311-C-T. GRCh37 (hg19) VCF-style: chr17-17698625-C-T.
Other names: c.2363C>T (NM_030665.3); short protein forms S788L.
Identifiers: ClinVar variation 2070437 (VCV002070437.6), dbSNP rs761594217, ClinGen allele CA8418519.
Genomic context (GRCh38, chr17:17,795,311, plus strand): 5'-GCCTGGAGCAGGGTGGGAAGGCCTCAGATGGCATCAGCAAAGGGGACACCCATGAGGCTT[C>T]GGCCTGCCTGGGCTTCCAGGAGGAGGACCCCCCTGGGGAGAAGGTGGCCTCGTTGCCCGG-3'
Protein context (NP_109590.3, residues 778-798): GISKGDTHEA[Ser788Leu]ACLGFQEEDP